The following is an entry in ClinVar:

NM_020533.3(MCOLN1):c.737T>A (p.Ile246Asn)

Gene: MCOLN1 (mucolipin TRP cation channel 1; plus strand). Cytogenetic location: 19p13.2.
Variant type: single nucleotide variant.
Coding change: c.737T>A on transcript NM_020533.3 (MANE Select); coding-DNA position 737, T replaced by A.
Protein change: p.Ile246Asn; replaces isoleucine 246 with asparagine.
Molecular consequence: missense variant.
Genome position (GRCh38, 1-based): chr19:7,527,920, T>A. VCF-style: chr19-7527920-T-A. GRCh37 (hg19) VCF-style: chr19-7592806-T-A.
Other names: short protein forms I246N.
Identifiers: ClinVar variation 1936368 (VCV001936368.5), dbSNP rs565619648, ClinGen allele CA9138886.

ClinVar aggregate classification (germline): Uncertain significance (1 of 4 stars; one submission).

Conditions:
Mucolipidosis type IV (ML4). Also called: ML IV. Identifiers: Orphanet 578, MedGen C0238286, MONDO:0009653, OMIM 252650.

Allele frequency attached by ClinVar (database versions not stated): ExAC 0.00001; gnomAD 0.00001; 1000 Genomes Project 0.00020; 1000 Genomes Project 30x 0.00031.
gnomAD v4.1: 1 of 1,614,162 alleles (0.000062%); highest among the groups gnomAD compares: South Asian, 0.0011%; no homozygotes.

Submission:

Labcorp Genetics (formerly Invitae), Labcorp
Classification: Uncertain significance for Mucolipidosis type IV. Last evaluated: 2023-07-17. Review status: criteria provided, single submitter. Criteria: Invitae Variant Classification Sherloc (09022015). Collection method: clinical testing. Allele origin: germline.
Comment: This variant has not been reported in the literature in individuals affected with MCOLN1-related conditions. This variant is present in population databases (rs565619648, gnomAD 0.003%). This sequence change replaces isoleucine, which is neutral and non-polar, with asparagine, which is neutral and polar, at codon 246 of the MCOLN1 protein (p.Ile246Asn). ClinVar contains an entry for this variant (Variation ID: 1936368). In summary, the available evidence is currently insufficient to determine the role of this variant in disease. Therefore, it has been classified as a Variant of Uncertain Significance. Advanced modeling of protein sequence and biophysical properties (such as structural, functional, and spatial information, amino acid conservation, physicochemical variation, residue mobility, and thermodynamic stability) has been performed at Invitae for this missense variant, however the output from this modeling did not meet the statistical confidence thresholds required to predict the impact of this variant on MCOLN1 protein function.